The following is an entry in ClinVar:

ClinVar aggregate classification (germline): Uncertain significance (1 of 4 stars; one submission).

Conditions:
Nemaline myopathy 2 (NEM2). Also called: Nemaline myopathy 2, autosomal recessive. Identifiers: MedGen C1850569, MONDO:0009725, OMIM 256030.

gnomAD v4.1: 1 of 1,613,220 alleles (0.000062%); highest among the groups gnomAD compares: Non-Finnish European, 0.000085%; no homozygotes.

Submission:

Labcorp Genetics (formerly Invitae), Labcorp
Classification: Uncertain significance for Nemaline myopathy 2. Last evaluated: 2021-10-24. Review status: criteria provided, single submitter. Criteria: Invitae Variant Classification Sherloc (09022015). Collection method: clinical testing. Allele origin: germline.
Comment: This sequence change replaces cysteine with glycine at codon 402 of the NEB protein (p.Cys402Gly). The cysteine residue is moderately conserved and there is a large physicochemical difference between cysteine and glycine. This variant is not present in population databases (ExAC no frequency). This variant has not been reported in the literature in individuals affected with NEB-related conditions. Algorithms developed to predict the effect of missense changes on protein structure and function are either unavailable or do not agree on the potential impact of this missense change (SIFT: "Deleterious"; PolyPhen-2: "Not Available"; Align-GVGD: "Class C0"). In summary, the available evidence is currently insufficient to determine the role of this variant in disease. Therefore, it has been classified as a Variant of Uncertain Significance.

NM_001164508.2(NEB):c.1204T>G (p.Cys402Gly)

Gene: NEB (nebulin; minus strand). Cytogenetic location: 2q23.3.
Variant type: single nucleotide variant.
Coding change: c.1204T>G on transcript NM_001164508.2 (MANE Select); coding-DNA position 1204, T replaced by G.
Protein change: p.Cys402Gly; replaces cysteine 402 with glycine.
Molecular consequence: missense variant.
Genome position (GRCh38, 1-based): chr2:151,697,597, A>C on the plus strand (T>G on the coding strand, the complement: NEB is on the minus strand). VCF-style: chr2-151697597-A-C. GRCh37 (hg19) VCF-style: chr2-152554111-A-C.
Other names: c.1204T>G, p.Cys402Gly (NM_001164507.2, NM_001271208.2, NM_004543.5); short protein forms C402G.
Identifiers: ClinVar variation 2137341 (VCV002137341.1), dbSNP rs2099605630, ClinGen allele CA348825923.